The following is an entry in ClinVar:

ClinVar aggregate classification (germline): Uncertain significance (1 of 4 stars; one submission).

Conditions:
Arrhythmogenic cardiomyopathy with wooly hair and keratoderma. Also called: PALMOPLANTAR KERATODERMA WITH LEFT VENTRICULAR CARDIOMYOPATHY AND WOOLLY HAIR; Carvajal syndrome; Dilated cardiomyopathy with woolly hair and keratoderma; Arrhythmogenic cardiomyopathy with woolly hair and keratoderma. Identifiers: Orphanet 65282, MedGen C1854063, MONDO:0011581, OMIM 605676.
Arrhythmogenic right ventricular dysplasia 8 (ARVD8). Also called: Arrhythmogenic Right Ventricular Dysplasia/Cardiomyopathy 8; ARRHYTHMOGENIC RIGHT VENTRICULAR CARDIOMYOPATHY 8; ARRHYTHMOGENIC RIGHT VENTRICULAR DYSPLASIA, FAMILIAL, 8. Identifiers: MedGen C1843896, MONDO:0011831, OMIM 607450.

gnomAD v4.1: 1 of 1,583,258 alleles (0.000063%); highest among the groups gnomAD compares: Non-Finnish European, 0.000086%; no homozygotes.

Submission:

Labcorp Genetics (formerly Invitae), Labcorp
Classification: Uncertain significance for Arrhythmogenic cardiomyopathy with wooly hair and keratoderma; Arrhythmogenic right ventricular dysplasia 8. Last evaluated: 2025-11-03. Review status: criteria provided, single submitter. Criteria: Invitae Variant Classification Sherloc (09022015). Collection method: clinical testing. Allele origin: germline.
Comment: This sequence change replaces glycine, which is neutral and non-polar, with valine, which is neutral and non-polar, at codon 36 of the DSP protein (p.Gly36Val). The frequency data for this variant in the population databases is considered unreliable, as metrics indicate poor data quality at this position in the gnomAD database. This variant has not been reported in the literature in individuals affected with DSP-related conditions. ClinVar contains an entry for this variant (Variation ID: 3763879). An algorithm developed to predict the effect of missense changes on protein structure and function (PolyPhen-2) suggests that this variant is likely to be tolerated. In summary, the available evidence is currently insufficient to determine the role of this variant in disease. Therefore, it has been classified as a Variant of Uncertain Significance.

NM_004415.4(DSP):c.107G>T (p.Gly36Val)

Genes: DSP (desmoplakin; plus strand), DSP-AS1 (DSP antisense RNA 1; minus strand). Cytogenetic location: 6p24.3.
Variant type: single nucleotide variant.
Coding change: c.107G>T on transcript NM_004415.4 (MANE Select); coding-DNA position 107, G replaced by T.
Protein change: p.Gly36Val; replaces glycine 36 with valine.
Molecular consequence: missense variant.
Genome position (GRCh38, 1-based): chr6:7,542,022, G>T. VCF-style: chr6-7542022-G-T. GRCh37 (hg19) VCF-style: chr6-7542255-G-T.
Other names: c.107G>T, p.Gly36Val (NM_001008844.3, NM_001319034.2, NM_001406591.1); short protein forms G36V.
Identifiers: ClinVar variation 3763879 (VCV003763879.2).